The following is an entry in ClinVar:

ClinVar aggregate classification (germline): Pathogenic/Likely pathogenic. Review status: criteria provided, multiple submitters, no conflicts (2 of 4 stars). 2 submissions from 2 submitters: Pathogenic (1); Likely pathogenic (1). Last evaluated 2024-04-05.

Submissions (2):

Athena Diagnostics
Classification: Pathogenic. Last evaluated: 2024-04-05. Review status: criteria provided, single submitter. Criteria: Athena Diagnostics Criteria. Collection method: clinical testing. Allele origin: unknown.
Comment: This variant is not expected to cause loss of protein expression through nonsense-mediated decay, however, similar variants in this region have been associated with hereditary neuropathy with liability to pressure palsies (HNPP), and therefore, this variant is also expected to associate with HNPP. This variant has been identified in at least one individual tested at Athena Diagnostics with clinical features associated with this gene. This variant has not been reported in large, multi-ethnic general populations.

Mayo Clinic Laboratories, Mayo Clinic
Classification: Likely pathogenic. Last evaluated: 2024-01-23. Review status: criteria provided, single submitter. Criteria: ACMG Guidelines, 2015. Collection method: clinical testing. Allele origin: germline. Observed: 1 variant allele.
Comment: PM2_moderate, PVS1_strong

NM_000304.4(PMP22):c.396C>A (p.Tyr132Ter)

Gene: PMP22 (peripheral myelin protein 22; minus strand). Cytogenetic location: 17p12.
Variant type: single nucleotide variant.
Coding change: c.396C>A on transcript NM_000304.4 (MANE Select); coding-DNA position 396, C replaced by A.
Protein change: p.Tyr132Ter; replaces tyrosine 132 with a stop codon.
Molecular consequence: nonsense. On other transcripts: non-coding transcript variant (2).
Genome position (GRCh38, 1-based): chr17:15,231,004, G>T on the plus strand (C>A on the coding strand, the complement: PMP22 is on the minus strand). VCF-style: chr17-15231004-G-T. GRCh37 (hg19) VCF-style: chr17-15134321-G-T.
Other names: p.Tyr132*; c.396C>A, p.Tyr132Ter (NM_001281455.2, NM_001281456.2, NM_153321.3 and 1 more transcripts); short protein forms Y132*.
Identifiers: ClinVar variation 3381154 (VCV003381154.2).